The following is an entry in ClinVar:

NM_001283009.2(RTEL1):c.3578del (p.Val1193fs)

Genes: RTEL1 (regulator of telomere elongation helicase 1; plus strand), RTEL1-TNFRSF6B (RTEL1-TNFRSF6B readthrough (NMD candidate); plus strand). Cytogenetic location: 20q13.33.
Variant type: Deletion.
Coding change: c.3578del on transcript NM_001283009.2 (MANE Select); coding-DNA position 3578, one base deleted (T; older notation c.3578delT).
Protein change: p.Val1193fs; shifts the reading frame from valine 1193.
Molecular consequence: frameshift variant. On other transcripts: non-coding transcript variant (1).
Genome position (GRCh38, 1-based): chr20:63,695,406, T deleted. VCF-style (leftmost placement, unchanged base first): chr20-63695405-GT-G. GRCh37 (hg19) VCF-style: chr20-62326758-GT-G.
Other names: c.2909del, p.Val970fs (NM_001283010.1); c.3578del, p.Val1193fs (NM_016434.4); c.3650del, p.Val1217fs (NM_032957.5); c.3578delT (NM_001283009.2); short protein forms V1193fs, V1217fs, V970fs.
Identifiers: ClinVar variation 1679562 (VCV001679562.2), dbSNP rs2145479688, ClinGen allele CA2573157231.

ClinVar aggregate classification (germline): Likely pathogenic (1 of 4 stars; one submission).

Conditions:
Dyskeratosis congenita, autosomal recessive 5 (DKCB5). Identifiers: MedGen C3554656, MONDO:0014076, OMIM 615190.

Submission:

New York Genome Center
Classification: Likely pathogenic for Dyskeratosis congenita, autosomal recessive 5. Last evaluated: 2021-05-21. Review status: criteria provided, single submitter. Criteria: NYGC Assertion Criteria 2020. Collection method: clinical testing. Allele origin: inherited. Observed: 1 compound heterozygote. Study: CSER-NYCKidSeq.
Comment: The inherited c.3578delT variant in exon 34 of 35 of RTEL1 is predicted to result in frameshift and subsequent termination after 170 amino acid residues (p.Val1193GlyfsTer171). This frameshift is predicted to alter the amino acid sequence in the C-terminal region of RTEL1 which contains the conserved ring finger domain [1217-1300 aa; 3]. Two missense variants in this domain have been reported in multiple affected individuals [PMID: 28507545; PMID: 25047097; PMID: 23453664; PMID: 25099625; PMID: 26025130; PMID: 24009516; PMID: 25620558]. This suggests that these amino acid residues are important for the function of RTEL1, and variants that disrupt this region are likely to be disease-causing. The variant seen has not been reported in affected individuals in the available literature and is absent in gnomAD v3 indicating it is not a common benign variant in the populations represented in this database. This variant is not reported in Clinvar and there are at least 3 frameshift variants downstream to the one seen in this individual that are reported as Pathogenic/Likely pathogenic (Variation IDs: 656263,10683954) or seen in an affected individual [PMID: 28507545]. Given the current evidence, the c.3578delT (p.Val1193GlyfsTer171) variant identified in the RTEL1 gene is reported as a Likely Pathogenic.